The following is an entry in ClinVar:

NM_000051.4(ATM):c.73-14C>A

Gene: ATM (ATM serine/threonine kinase; plus strand). Cytogenetic location: 11q22.3.
Variant type: single nucleotide variant.
Coding change: c.73-14C>A on transcript NM_000051.4 (MANE Select); 14 bases into the intron before coding-DNA position 73, C replaced by A.
Molecular consequence: intron variant.
Genome position (GRCh38, 1-based): chr11:108,227,762, C>A. VCF-style: chr11-108227762-C-A. GRCh37 (hg19) VCF-style: chr11-108098489-C-A.
Other names: c.73-14C>A (NM_001351834.2, NM_001351835.2, NM_001351836.2).
Identifiers: ClinVar variation 384285 (VCV000384285.1), dbSNP rs766284348, ClinGen allele CA16605751.

ClinVar aggregate classification (germline): Likely benign (1 of 4 stars; one submission).

Submission:

GeneDx
Classification: Likely benign. Last evaluated: 2016-02-26. Review status: criteria provided, single submitter. Criteria: GeneDx Variant Classification (06012015). Collection method: clinical testing. Allele origin: germline. Affected: yes.
Comment: This variant is considered likely benign or benign based on one or more of the following criteria: it is a conservative change, it occurs at a poorly conserved position in the protein, it is predicted to be benign by multiple in silico algorithms, and/or has population frequency not consistent with disease.